The following is an entry in ClinVar:

NM_001385641.1(SAMD11):c.1343C>T (p.Pro448Leu)

Gene: SAMD11 (sterile alpha motif domain containing 11; plus strand). Cytogenetic location: 1p36.33.
Variant type: single nucleotide variant.
Coding change: c.1343C>T on transcript NM_001385641.1 (MANE Select); coding-DNA position 1343, C replaced by T.
Protein change: p.Pro448Leu; replaces proline 448 with leucine.
Molecular consequence: missense variant.
Genome position (GRCh38, 1-based): chr1:941,291, C>T. VCF-style: chr1-941291-C-T. GRCh37 (hg19) VCF-style: chr1-876671-C-T.
Other names: c.1346C>T, p.Pro449Leu (NM_001385640.1); c.854C>T, p.Pro285Leu (NM_152486.4); short protein forms P285L, P448L, P449L.
Identifiers: ClinVar variation 1059309 (VCV001059309.8), dbSNP rs781502726, ClinGen allele CA502826.

ClinVar aggregate classification (germline): Uncertain significance (1 of 4 stars; one submission).

Allele frequency attached by ClinVar (database versions not stated): ExAC 0.00006; TOPMed 0.00006.
gnomAD v4.1: 8 of 1,589,752 alleles (0.0005%); highest among the groups gnomAD compares: Admixed American, 0.0052%; no homozygotes.

Submission:

Labcorp Genetics (formerly Invitae), Labcorp
Classification: Uncertain significance. Last evaluated: 2024-02-17. Review status: criteria provided, single submitter. Criteria: Invitae Variant Classification Sherloc (09022015). Collection method: clinical testing. Allele origin: germline.
Comment: This sequence change replaces proline, which is neutral and non-polar, with leucine, which is neutral and non-polar, at codon 285 of the SAMD11 protein (p.Pro285Leu). The frequency data for this variant in the population databases is considered unreliable, as metrics indicate poor data quality at this position in the gnomAD database. This variant has not been reported in the literature in individuals affected with SAMD11-related conditions. ClinVar contains an entry for this variant (Variation ID: 1059309). Algorithms developed to predict the effect of missense changes on protein structure and function output the following: SIFT: "Not Available"; PolyPhen-2: "Benign"; Align-GVGD: "Not Available". The leucine amino acid residue is found in multiple mammalian species, which suggests that this missense change does not adversely affect protein function. In summary, the available evidence is currently insufficient to determine the role of this variant in disease. Therefore, it has been classified as a Variant of Uncertain Significance.